The following is an entry in ClinVar:

NM_002911.4(UPF1):c.1325A>G (p.Tyr442Cys)

Gene: UPF1 (UPF1 RNA helicase and ATPase; plus strand). Cytogenetic location: 19p13.11.
Variant type: single nucleotide variant.
Coding change: c.1325A>G on transcript NM_002911.4 (MANE Select); coding-DNA position 1325, A replaced by G.
Protein change: p.Tyr442Cys; replaces tyrosine 442 with cysteine.
Molecular consequence: missense variant.
Genome position (GRCh38, 1-based): chr19:18,854,938, A>G. VCF-style: chr19-18854938-A-G. GRCh37 (hg19) VCF-style: chr19-18965747-A-G.
Other names: c.1358A>G, p.Tyr453Cys (NM_001297549.2); short protein forms Y442C, Y453C.
Identifiers: ClinVar variation 3369531 (VCV003369531.1).
Genomic context (GRCh38, chr19:18,854,938, plus strand): 5'-GGATGCAGAGCGCATTGAAAACGTTTGCCGTGGATGAGACCTCGGTGTCTGGCTACATCT[A>G]CCACAAGCTGTTGGGCCACGAGGTGGAGGACGTAATCATCAAGTGCCAGCTGCCCAAGCG-3'
Protein context (NP_002902.2, residues 432-452): VDETSVSGYI[Tyr442Cys]HKLLGHEVED

ClinVar aggregate classification (germline): Uncertain significance (1 of 4 stars; one submission).

Submission:

GeneDx
Classification: Uncertain significance. Last evaluated: 2024-02-27. Review status: criteria provided, single submitter. Criteria: GeneDx Variant Classification Process June 2021. Collection method: clinical testing. Allele origin: germline. Affected: yes.
Comment: Not observed at significant frequency in large population cohorts (gnomAD); In silico analysis supports that this missense variant has a deleterious effect on protein structure/function; Has not been previously published as pathogenic or benign to our knowledge